The following is an entry in ClinVar:

NM_001195263.2(PDZD7):c.928+1G>A

Gene: PDZD7 (PDZ domain containing 7; minus strand). Cytogenetic location: 10q24.31.
Variant type: single nucleotide variant.
Coding change: c.928+1G>A on transcript NM_001195263.2 (MANE Select); the canonical splice donor site of the intron after coding-DNA position 928, G replaced by A.
Molecular consequence: splice donor variant.
Genome position (GRCh38, 1-based): chr10:101,020,617, C>T on the plus strand (G>A on the coding strand, the complement: PDZD7 is on the minus strand). VCF-style: chr10-101020617-C-T. GRCh37 (hg19) VCF-style: chr10-102780374-C-T.
Other names: c.928+1G>A (NM_024895.5, NM_001351044.2).
Identifiers: ClinVar variation 1499226 (VCV001499226.9), dbSNP rs778565403, ClinGen allele CA5654197.

ClinVar aggregate classification (germline): Likely pathogenic. Review status: criteria provided, multiple submitters, no conflicts (2 of 4 stars). 2 submissions from 2 submitters: Likely pathogenic (2). Last evaluated 2025-04-02.

Conditions:
Hearing loss, autosomal recessive 57. Also called: DEAFNESS, AUTOSOMAL RECESSIVE 57. Identifiers: MedGen C4693893, MONDO:0033201, OMIM 618003.

Allele frequency attached by ClinVar (database versions not stated): ExAC 0.00001; gnomAD 0.00001; gnomAD exomes 0.00001; TOPMed 0.00001.

Submissions (2):

Labcorp Genetics (formerly Invitae), Labcorp
Classification: Likely pathogenic. Last evaluated: 2025-04-02. Review status: criteria provided, single submitter. Criteria: Invitae Variant Classification Sherloc (09022015). Collection method: clinical testing. Allele origin: germline.
Comment: This sequence change affects a donor splice site in intron 7 of the PDZD7 gene. It is expected to disrupt RNA splicing. Variants that disrupt the donor or acceptor splice site typically lead to a loss of protein function (PMID: 16199547), and loss-of-function variants in PDZD7 are known to be pathogenic (PMID: 20440071). This variant is present in population databases (rs778565403, gnomAD 0.002%). Disruption of this splice site has been observed in individual(s) with hearing loss (PMID: 36633841). ClinVar contains an entry for this variant (Variation ID: 1499226). Algorithms developed to predict the effect of sequence changes on RNA splicing suggest that this variant may disrupt the consensus splice site. In summary, the currently available evidence indicates that the variant is pathogenic, but additional data are needed to prove that conclusively. Therefore, this variant has been classified as Likely Pathogenic.

King Laboratory, University of Washington
Classification: Likely pathogenic for Hearing loss, autosomal recessive 57. Last evaluated: 2023-02-28. Review status: criteria provided, single submitter. Criteria: Li et al. (Genet Med. 2022). Collection method: research. Allele origin: unknown. Affected: yes.
Comment: This variant is a single base pair substitution that is predicted to alter splicing. At the donor splice of PDZD7 exon 7, the sequence change is GAC|gtaagt > GACataagt, NNSPLICE is 0.99 and 0.00, and MaxEnt is 10.93 and 2.75 for reference and mutant sequences. A cryptic donor splice is predicted in the sequence of intron 7 with NNSPLICE 0.60 and MaxEnt 5.64. Consequences of altered splicing are (a) skipping of exon 7 resulting in a 61bp message deletion and premature stop at codon 290 of 1034, or (b) activation of the cryptic donor splice resulting in a 23bp message insertion causing a frameshift and a premature stop at codon 318. As of January 2023, this variant has been reported to ClinVar as likely pathogenic and is found in 2 heterozygotes on gnomAD. Based on compound heterozygosity with a loss-of-function variant, the prediction that this variant leads to a truncated protein, and goodness of fit of genotype to phenotype, we conclude that this variant is likely pathogenic.

Literature cited by the submitters: PubMed 16199547 (cited by Labcorp Genetics (formerly Invitae), Labcorp); PubMed 20440071 (cited by Labcorp Genetics (formerly Invitae), Labcorp); PubMed 36633841 (cited by Labcorp Genetics (formerly Invitae), Labcorp and King Laboratory, University of Washington).